The following is an entry in ClinVar:

ClinVar aggregate classification (germline): Pathogenic. Review status: criteria provided, multiple submitters, no conflicts (2 of 4 stars). 3 submissions from 3 submitters: Pathogenic (3). Last evaluated 2024-07-02.

Conditions:
PMM2-congenital disorder of glycosylation. Also called: CDG Ia; JAEKEN SYNDROME; PHOSPHOMANNOMUTASE 2 DEFICIENCY; CARBOHYDRATE-DEFICIENT GLYCOPROTEIN SYNDROME, TYPE Ia; Congenital disorder of glycosylation, type Ia; PMM2-CDG. Identifiers: Orphanet 79318, MedGen C0349653, MONDO:0008907, OMIM 212065.

Submissions (3):

Natera, Inc.
Classification: Pathogenic for Congenital disorder of glycosylation type 1a. Last evaluated: 2024-07-02. Review status: criteria provided, single submitter. Criteria: Natera Variant Classification Schema (03/2026). Collection method: clinical testing. Allele origin: germline.
Comment: The c.66+1G>A variant in PMM2 is a canonical splice donor site variant predicted to affect pre-mRNA splicing, which may result in an abnormal transcript and altered protein product. This variant is expected to result in nonsense mediated decay, truncation, or a dysfunctional protein product. This variant is rare in the general population with a frequency below the threshold expected for the associated phenotype(s). Another variant at this same site results in an alteration predicted to cause a similar molecular effect has been observed in individual(s) with the associated phenotype. Given the available evidence, this variant is classified as Pathogenic.

Laboratory of Medical Genetics, National & Kapodistrian University of Athens
Classification: Pathogenic for PMM2-congenital disorder of glycosylation. Last evaluated: 2024-02-01. Review status: criteria provided, single submitter. Criteria: ACMG Guidelines, 2015. Collection method: curation. Allele origin: germline. Affected: no.

Labcorp Genetics (formerly Invitae), Labcorp
Classification: Pathogenic for PMM2-congenital disorder of glycosylation. Last evaluated: 2023-05-15. Review status: criteria provided, single submitter. Criteria: Invitae Variant Classification Sherloc (09022015). Collection method: clinical testing. Allele origin: germline.
Comment: This variant is not present in population databases (gnomAD no frequency). This sequence change affects a donor splice site in intron 1 of the PMM2 gene. It is expected to disrupt RNA splicing. Variants that disrupt the donor or acceptor splice site typically lead to a loss of protein function (PMID: 16199547), and loss-of-function variants in PMM2 are known to be pathogenic (PMID: 19862844). Disruption of this splice site has been observed in individual(s) with congenital disorder of glycosylation type 1a (PMID: 15844218). For these reasons, this variant has been classified as Pathogenic. Studies have shown that disruption of this splice site is associated with altered splicing resulting in unknown protein product impact (PMID: 15844218). ClinVar contains an entry for this variant (Variation ID: 1073938).

Literature cited by the submitters: PubMed 16199547 (cited by Labcorp Genetics (formerly Invitae), Labcorp); PubMed 19862844 (cited by Labcorp Genetics (formerly Invitae), Labcorp); PubMed 15844218 (cited by Labcorp Genetics (formerly Invitae), Labcorp).

NM_000303.3(PMM2):c.66+1G>A

Gene: PMM2 (phosphomannomutase 2; plus strand). Cytogenetic location: 16p13.2.
Variant type: single nucleotide variant.
Coding change: c.66+1G>A on transcript NM_000303.3 (MANE Select); the canonical splice donor site of the intron after coding-DNA position 66, G replaced by A.
Molecular consequence: splice donor variant.
Genome position (GRCh38, 1-based): chr16:8,797,949, G>A. VCF-style: chr16-8797949-G-A. GRCh37 (hg19) VCF-style: chr16-8891806-G-A.
Other names: c.66+1G>A (NM_000303.2).
Identifiers: ClinVar variation 1073938 (VCV001073938.10), dbSNP rs937726878, ClinGen allele CA394694927.
Genomic context (GRCh38, chr16:8,797,949, plus strand): 5'-GCGCCTGGCCCAGCGCTCTGCCTCTTCGACGTGGATGGGACCCTCACCGCCCCGCGGCAG[G>A]TAAGTGGCGGCCGGCGGGCTGCTGGCAGCCGACGCGGAGCCCGTGCTGTTCCCAGTTGGG-3'